The following is an entry in ClinVar:

ClinVar aggregate classification (germline): Uncertain significance. Review status: criteria provided, multiple submitters, no conflicts (2 of 4 stars). 3 submissions from 3 submitters: Uncertain significance (3). Last evaluated 2026-02-11.

Submissions (3):

Women's Health and Genetics/Laboratory Corporation of America, LabCorp
Classification: Uncertain significance. Last evaluated: 2026-02-11. Review status: criteria provided, single submitter. Criteria: LabCorp Variant Classification Summary - May 2015. Collection method: clinical testing. Allele origin: germline.
Comment: Variant summary: CENPE c.4103T>C (p.Leu1368Pro) results in a non-conservative amino acid change in the encoded protein sequence. Algorithms developed to predict the effect of missense changes on protein structure and function are either unavailable or do not agree on the potential impact of this missense change. The variant allele was found at a frequency of 8.1e-06 in 248234 control chromosomes. The available data on variant occurrences in the general population are insufficient to allow any conclusion about variant significance. To our knowledge, no occurrence of c.4103T>C in individuals affected with CENPE-related conditions and no experimental evidence demonstrating its impact on protein function have been reported. ClinVar contains an entry for this variant (Variation ID: 4000395). Based on the evidence outlined above, the variant was classified as uncertain significance.

Ambry Genetics
Classification: Uncertain significance. Last evaluated: 2025-04-10. Review status: criteria provided, single submitter. Criteria: Ambry Variant Classification Scheme 2023. Collection method: clinical testing. Allele origin: germline.

Blueprint Genetics
Classification: Uncertain significance. Last evaluated: 2022-05-24. Review status: criteria provided, single submitter. Criteria: ACMG Guidelines, 2015. Collection method: clinical testing. Allele origin: germline.

NM_001813.3(CENPE):c.4103T>C (p.Leu1368Pro)

Gene: CENPE (centromere protein E; minus strand). Cytogenetic location: 4q24.
Variant type: single nucleotide variant.
Coding change: c.4103T>C on transcript NM_001813.3 (MANE Select); coding-DNA position 4103, T replaced by C.
Protein change: p.Leu1368Pro; replaces leucine 1368 with proline.
Molecular consequence: missense variant.
Genome position (GRCh38, 1-based): chr4:103,147,387, A>G on the plus strand (T>C on the coding strand, the complement: CENPE is on the minus strand). VCF-style: chr4-103147387-A-G. GRCh37 (hg19) VCF-style: chr4-104068544-A-G.
Other names: c.4028T>C, p.Leu1343Pro (NM_001286734.2); short protein forms L1343P, L1368P.
Identifiers: ClinVar variation 4000395 (VCV004000395.3).